The following is an entry in ClinVar:

NM_000540.3(RYR1):c.5585T>C (p.Ile1862Thr)

Gene: RYR1 (ryanodine receptor 1; plus strand). Cytogenetic location: 19q13.2.
Variant type: single nucleotide variant.
Coding change: c.5585T>C on transcript NM_000540.3 (MANE Select); coding-DNA position 5585, T replaced by C.
Protein change: p.Ile1862Thr; replaces isoleucine 1862 with threonine.
Molecular consequence: missense variant.
Genome position (GRCh38, 1-based): chr19:38,489,214, T>C. VCF-style: chr19-38489214-T-C. GRCh37 (hg19) VCF-style: chr19-38979854-T-C.
Other names: c.5585T>C, p.Ile1862Thr (NM_001042723.2); short protein forms I1862T.
Identifiers: ClinVar variation 3070678 (VCV003070678.1), dbSNP rs768180138, ClinGen allele CA067294.
Genomic context (GRCh38, chr19:38,489,214, plus strand): 5'-AGAACCGAGACTTTGTCCTGTAGGTGATGGGCATCTTTGGCGATGAGGATGTGAAACAGA[T>C]CTTGAAGATGATTGAGCCTGAGGTCTTCACTGAGGAAGAAGAGGAGGAGGACGAGGAGGA-3'
Protein context (NP_000531.2, residues 1852-1872): GIFGDEDVKQ[Ile1862Thr]LKMIEPEVFT

ClinVar aggregate classification (germline): Uncertain significance (1 of 4 stars; one submission).

Conditions:
Malignant hyperthermia, susceptibility to, 1 (MHS1). Also called: Anesthesia related hyperthermia; Malignant hyperpyrexia; Fulminating hyperpyrexia; Pharmacogenic myopathy; RYR1-Related Malignant Hyperthermia Susceptibility; Malignant hyperthermia suceptibility 1. Identifiers: Orphanet 423, MedGen C2930980, MONDO:0007783, OMIM 145600.

Allele frequency attached by ClinVar (database versions not stated): TOPMed below 0.00001; gnomAD exomes 0.00001; ExAC 0.00002; gnomAD 0.00002.
gnomAD v4.1: 8 of 1,613,592 alleles (0.0005%); highest among the groups gnomAD compares: Non-Finnish European, 0.00068%; no homozygotes.

Submission:

All of Us Research Program, National Institutes of Health
Classification: Uncertain significance for Malignant hyperthermia, susceptibility to, 1. Last evaluated: 2023-05-04. Review status: criteria provided, single submitter. Criteria: ACMG Guidelines, 2015. Collection method: clinical testing. Allele origin: germline. Inheritance: Autosomal dominant inheritance. Observed: 1 variant allele, 1 heterozygote.
Comment: This missense variant replaces isoleucine with threonine at codon 1862 of the RYR1 protein. Computational prediction is inconclusive regarding the impact of this variant on protein structure and function (internally defined REVEL score threshold 0.5 < inconclusive < 0.7, PMID: 27666373). To our knowledge, functional studies have not been reported for this variant. This variant has not been reported in individuals affected with RYR1-related disorders in the literature. This variant has been identified in 2/248948 chromosomes in the general population by the Genome Aggregation Database (gnomAD). The available evidence is insufficient to determine the role of this variant in disease conclusively. Therefore, this variant is classified as a Variant of Uncertain Significance.

This study involves interpretation of variants in research participants for the purpose of population health screening. Participant phenotype was not available at the time of variant classification. Additional details can be found in publication PMID: 35346344, PMCID: PMC8962531